The following is an entry in ClinVar:

ClinVar aggregate classification (germline): Pathogenic (1 of 4 stars; one submission).

Submission:

Labcorp Genetics (formerly Invitae), Labcorp
Classification: Pathogenic. Last evaluated: 2023-08-14. Review status: criteria provided, single submitter. Criteria: Invitae Variant Classification Sherloc (09022015). Collection method: clinical testing. Allele origin: germline.
Comment: For these reasons, this variant has been classified as Pathogenic. Algorithms developed to predict the effect of sequence changes on RNA splicing suggest that this variant may disrupt the consensus splice site. This variant has not been reported in the literature in individuals affected with EIF2AK3-related conditions. This variant is not present in population databases (gnomAD no frequency). This sequence change creates a premature translational stop signal (p.Asp616Argfs*2) in the EIF2AK3 gene. It is expected to result in an absent or disrupted protein product. Loss-of-function variants in EIF2AK3 are known to be pathogenic (PMID: 11997520).

Literature cited by the submitters: PubMed 11997520.

NM_004836.7(EIF2AK3):c.1842_1845dup (p.Asp616delinsArgTer)

Gene: EIF2AK3 (eukaryotic translation initiation factor 2 alpha kinase 3; minus strand). Cytogenetic location: 2p11.2.
Variant type: Duplication.
Coding change: c.1842_1845dup on transcript NM_004836.7 (MANE Select); coding-DNA positions 1842 to 1845, 4 bases duplicated (AGAT; older notation c.1842_1845dupAGAT).
Protein change: p.Asp616delinsArgTer.
Molecular consequence: nonsense.
Genome position (GRCh38, 1-based): chr2:88,579,559-88,579,562, ATCT duplicated on the plus strand (AGAT on the coding strand, the reverse complement: EIF2AK3 is on the minus strand); duplicating any 4 consecutive bases within chr2:88,579,559-88,579,563 gives the same sequence; the c. name uses the placement nearest the transcript's 3' end. VCF-style (leftmost placement, unchanged base first): chr2-88579558-C-CATCT. GRCh37 (hg19) VCF-style: chr2-88879076-C-CATCT.
Other names: c.1389_1392dup, p.Asp465delinsArgTer (NM_001313915.2).
Identifiers: ClinVar variation 2748910 (VCV002748910.3), dbSNP rs2529140205, ClinGen allele CA2697548355.